The following is an entry in ClinVar:

NM_001267550.2(TTN):c.82513del (p.Ile27505fs)

Genes: TTN-AS1 (TTN antisense RNA 1; plus strand), TTN (titin; minus strand). Cytogenetic location: 2q31.2.
Variant type: Deletion.
Coding change: c.82513del on transcript NM_001267550.2 (MANE Select); coding-DNA position 82513, one base deleted (A; older notation c.82513delA).
Protein change: p.Ile27505fs; shifts the reading frame from isoleucine 27505.
Molecular consequence: frameshift variant.
Genome position (GRCh38, 1-based): chr2:178,563,619, T deleted on the plus strand (A on the coding strand, the reverse complement: TTN is on the minus strand). VCF-style (leftmost placement, unchanged base first): chr2-178563618-AT-A. GRCh37 (hg19) VCF-style: chr2-179428345-AT-A.
Other names: c.77590del, p.Ile25864fs (NM_001256850.1); c.55318del, p.Ile18440fs (NM_003319.4); c.74809del, p.Ile24937fs (NM_133378.4); c.55693del, p.Ile18565fs (NM_133432.3); c.55894del, p.Ile18632fs (NM_133437.4); c.82513delA (LRG_391t1); short protein forms I18632fs, I25864fs, I18440fs, I18565fs, I27505fs, I24937fs.
Identifiers: ClinVar variation 223294 (VCV000223294.1), dbSNP rs869312060, ClinGen allele CA353098.
Genomic context (GRCh38, chr2:178,563,618, plus strand): 5'-GTTAATGTTTTCTTGTTGCACTTGGTCCATCTAACGCCTTCCTTATCTCGTTTTTCAAGA[AT>A]GTAGCCCTCAATTTCGGTACCTCCGTCGTCTACTGGGCGTGCCCATGTTACTACCATAGA-3'

ClinVar aggregate classification (germline): Likely pathogenic (1 of 4 stars; one submission).

Conditions:
Primary dilated cardiomyopathy (DCM). Also called: Dilated Cardiomyopathy. Identifiers: Orphanet 217604, MedGen C0007193, MeSH D002311, MONDO:0005021, HP:0001644. Inheritance: Various modes of inheritance.

Allele frequency attached by ClinVar (database versions not stated): gnomAD exomes below 0.00001.

Submission:

Cardiovascular Biomedical Research Unit, Royal Brompton & Harefield NHS Foundation Trust
Classification: Likely pathogenic for Primary dilated cardiomyopathy. Last evaluated: 2014-10-08. Review status: criteria provided, single submitter. Criteria: Roberts et al. 2015. Collection method: research. Allele origin: germline. Inheritance: Autosomal dominant inheritance. Affected: yes. Observed: 1 variant allele. Study: Unselected DCM.
Comment: In the seven cohorts assessed, TTNtv were found in 14% of ambulant DCM, 22% end-stage or familial DCM, and 2% controls. Heterozygous nonsense, frameshift and canonical splice-disrupting variants found in constitutive and other highly utilised exons are highly likely to be pathogenic when identified in individuals with phenotypically confirmed DCM. TTNtv found incidentally in healthy individuals (excluding familial assessment of DCM relatives) are thought to have low penetrance, particularly when identified in exons that are not constitutively expressed in the heart.